The following is an entry in ClinVar:

ClinVar aggregate classification (germline): Likely benign (0 of 4 stars; one submission).

Conditions:
CREBBP-related disorder. Also called: CREBBP-related condition; CREBBP-related disorders.

gnomAD v4.1: 9 of 1,613,344 alleles (0.00056%); highest among the groups gnomAD compares: Non-Finnish European, 0.00068%; no homozygotes.

Submission:

PreventionGenetics, part of Exact Sciences
Classification: Likely benign for CREBBP-related condition. Last evaluated: 2022-04-11. Review status: no assertion criteria provided. Collection method: clinical testing. Allele origin: germline.
Comment: This variant is classified as likely benign based on ACMG/AMP sequence variant interpretation guidelines (Richards et al. 2015 PMID: 25741868, with internal and published modifications).

NM_004380.3(CREBBP):c.5373G>A (p.Ser1791=)

Gene: CREBBP (CREB binding lysine acetyltransferase; minus strand). Cytogenetic location: 16p13.3.
Variant type: single nucleotide variant.
Coding change: c.5373G>A on transcript NM_004380.3 (MANE Select); coding-DNA position 5373, G replaced by A.
Protein change: p.Ser1791=; no amino-acid change (serine 1791 retained).
Molecular consequence: synonymous variant.
Genome position (GRCh38, 1-based): chr16:3,729,674, C>T on the plus strand (G>A on the coding strand, the complement: CREBBP is on the minus strand). VCF-style: chr16-3729674-C-T. GRCh37 (hg19) VCF-style: chr16-3779675-C-T.
Other names: c.5259G>A, p.Ser1753= (NM_001079846.1).
Identifiers: ClinVar variation 3353217 (VCV003353217.1).